The following is an entry in ClinVar:

NM_001243133.2(NLRP3):c.2322-6A>G

Gene: NLRP3 (NLR family pyrin domain containing 3; plus strand). Cytogenetic location: 1q44.
Variant type: single nucleotide variant.
Coding change: c.2322-6A>G on transcript NM_001243133.2 (MANE Select); 6 bases into the intron before coding-DNA position 2322, A replaced by G.
Molecular consequence: intron variant.
Genome position (GRCh38, 1-based): chr1:247,434,097, A>G. VCF-style: chr1-247434097-A-G. GRCh37 (hg19) VCF-style: chr1-247597399-A-G.
Other names: c.2328-6A>G (NM_004895.5); c.2322-6A>G (NM_001127461.3, NM_001079821.3); c.2151-6A>G (NM_001127462.3, NM_183395.3).
Identifiers: ClinVar variation 514376 (VCV000514376.8), dbSNP rs778792605, ClinGen allele CA658795660.

ClinVar aggregate classification (germline): Likely benign. Review status: criteria provided, multiple submitters, no conflicts (2 of 4 stars). 2 submissions from 2 submitters: Likely benign (2). Last evaluated 2025-09-30.

Conditions:
Cryopyrin associated periodic syndrome (CAPS). Identifiers: Orphanet 208650, MedGen C2316212, MONDO:0016168.

Allele frequency attached by ClinVar (database versions not stated): gnomAD 0.00002.

Submissions (2):

Labcorp Genetics (formerly Invitae), Labcorp
Classification: Likely benign for Cryopyrin associated periodic syndrome. Last evaluated: 2025-09-30. Review status: criteria provided, single submitter. Criteria: Invitae Variant Classification Sherloc (09022015). Collection method: clinical testing. Allele origin: germline.

GeneDx
Classification: Likely benign. Last evaluated: 2017-12-28. Review status: criteria provided, single submitter. Criteria: GeneDx Variant Classification (06012015). Collection method: clinical testing. Allele origin: germline. Affected: yes.
Comment: This variant is considered likely benign or benign based on one or more of the following criteria: it is a conservative change, it occurs at a poorly conserved position in the protein, it is predicted to be benign by multiple in silico algorithms, and/or has population frequency not consistent with disease.